The following is an entry in ClinVar:

ClinVar aggregate classification (germline): Conflicting classifications of pathogenicity. Review status: criteria provided, conflicting classifications (1 of 4 stars). 2 submissions from 2 submitters: Pathogenic (1); Uncertain significance (1). Last evaluated 2025-07-23.

Conditions:
Familial hemiplegic migraine. Identifiers: MedGen C0338484, MONDO:0000700.

Allele frequency attached by ClinVar (database versions not stated): gnomAD exomes below 0.00001.

Submissions (2):

GeneDx
Classification: Pathogenic. Last evaluated: 2025-07-23. Review status: criteria provided, single submitter. Criteria: GeneDx Variant Classification Process June 2021. Collection method: clinical testing. Allele origin: germline. Affected: yes.
Comment: Previously reported in one family with familial hemiplegic migraine; variant was present in the affected parent and in one affected and one unaffected child (PMID: 15159495); Published functional studies demonstrate R763H results in altered affinity for extracellular cations and reduced enzyme turnover (PMID: 18728015); Not observed at significant frequency in large population cohorts (gnomAD); In silico analysis supports that this missense variant has a deleterious effect on protein structure/function; This variant is associated with the following publications: (PMID: 17559350, 24336169, 15907261, 15549578, 22924536, 19455354, 15513297, 16088919, 26167768, 18184292, 37870493, 18728015, 15159495)

Labcorp Genetics (formerly Invitae), Labcorp
Classification: Uncertain significance for Familial hemiplegic migraine. Last evaluated: 2024-02-11. Review status: criteria provided, single submitter. Criteria: Invitae Variant Classification Sherloc (09022015). Collection method: clinical testing. Allele origin: germline.
Comment: This sequence change replaces arginine, which is basic and polar, with histidine, which is basic and polar, at codon 763 of the ATP1A2 protein (p.Arg763His). This variant is present in population databases (no rsID available, gnomAD 0.0009%). This missense change has been observed in individuals with clinical features of familial hemiplegic migraine (PMID: 15159495; Invitae). ClinVar contains an entry for this variant (Variation ID: 1047163). Advanced modeling of protein sequence and biophysical properties (such as structural, functional, and spatial information, amino acid conservation, physicochemical variation, residue mobility, and thermodynamic stability) performed at Invitae indicates that this missense variant is expected to disrupt ATP1A2 protein function with a positive predictive value of 80%. Experimental studies have shown that this missense change affects ATP1A2 function (PMID: 18728015). This variant disrupts the p.Arg763 amino acid residue in ATP1A2. Other variant(s) that disrupt this residue have been observed in individuals with ATP1A2-related conditions (PMID: 17142831), which suggests that this may be a clinically significant amino acid residue. In summary, the available evidence is currently insufficient to determine the role of this variant in disease. Therefore, it has been classified as a Variant of Uncertain Significance.

Literature cited by the submitters: PubMed 15159495 (cited by Labcorp Genetics (formerly Invitae), Labcorp); PubMed 18728015 (cited by Labcorp Genetics (formerly Invitae), Labcorp); PubMed 17142831 (cited by Labcorp Genetics (formerly Invitae), Labcorp).

NM_000702.4(ATP1A2):c.2288G>A (p.Arg763His)

Gene: ATP1A2 (ATPase Na+/K+ transporting subunit alpha 2; plus strand). Cytogenetic location: 1q23.2.
Variant type: single nucleotide variant.
Coding change: c.2288G>A on transcript NM_000702.4 (MANE Select); coding-DNA position 2288, G replaced by A.
Protein change: p.Arg763His; replaces arginine 763 with histidine.
Molecular consequence: missense variant.
Genome position (GRCh38, 1-based): chr1:160,135,842, G>A. VCF-style: chr1-160135842-G-A. GRCh37 (hg19) VCF-style: chr1-160105632-G-A.
Other names: short protein forms R763H.
Identifiers: ClinVar variation 1047163 (VCV001047163.12), dbSNP rs1403515889, ClinGen allele CA343249879.